The following is an entry in ClinVar:

ClinVar aggregate classification (germline): Uncertain significance. Review status: criteria provided, multiple submitters, no conflicts (2 of 4 stars). 2 submissions from 2 submitters: Uncertain significance (2). Last evaluated 2025-03-14.

Conditions:
Hereditary cancer-predisposing syndrome. Also called: Neoplastic Syndromes, Hereditary; Hereditary Cancer Syndrome; Hereditary neoplastic syndrome; Tumor predisposition. Identifiers: Orphanet 140162, MedGen C0027672, MeSH D009386, MONDO:0015356.
Cardiovascular phenotype. Identifiers: MedGen CN230736.
Neurofibromatosis, type 1 (NF1). Also called: Neurofibromatosis, type I; Peripheral type neurofibromatosis; VON RECKLINGHAUSEN DISEASE; NEUROFIBROMATOSIS, TYPE I, SOMATIC. Identifiers: Orphanet 636, MedGen C0027831, MONDO:0018975, OMIM 162200. Disease mechanism: loss of function.

Submissions (2):

Ambry Genetics
Classification: Uncertain significance for Cardiovascular phenotype; Hereditary cancer-predisposing syndrome. Last evaluated: 2025-03-14. Review status: criteria provided, single submitter. Criteria: Ambry Variant Classification Scheme 2023. Collection method: clinical testing. Allele origin: germline.
Comment: The p.A1224G variant (also known as c.3671C>G), located in coding exon 27 of the NF1 gene, results from a C to G substitution at nucleotide position 3671. The alanine at codon 1224 is replaced by glycine, an amino acid with similar properties. This variant has been reported in a patient with a blastic plasmacytoid dendritic cell neoplasm (Szczepaniak A et al. Int. J. Hematol., 2019 Jul;110:102-106). This amino acid position is highly conserved in available vertebrate species. In addition, this alteration is predicted to be deleterious by in silico analysis. Since supporting evidence is limited at this time, the clinical significance of this alteration remains unclear.

Labcorp Genetics (formerly Invitae), Labcorp
Classification: Uncertain significance for Neurofibromatosis, type 1. Last evaluated: 2024-04-23. Review status: criteria provided, single submitter. Criteria: Invitae Variant Classification Sherloc (09022015). Collection method: clinical testing. Allele origin: germline.
Comment: This sequence change replaces alanine, which is neutral and non-polar, with glycine, which is neutral and non-polar, at codon 1224 of the NF1 protein (p.Ala1224Gly). This variant is not present in population databases (gnomAD no frequency). This missense change has been observed in individual(s) with clinical features of neurofibromatosis type 1 (PMID: 30977107). ClinVar contains an entry for this variant (Variation ID: 824054). Advanced modeling of protein sequence and biophysical properties (such as structural, functional, and spatial information, amino acid conservation, physicochemical variation, residue mobility, and thermodynamic stability) performed at Invitae indicates that this missense variant is expected to disrupt NF1 protein function with a positive predictive value of 95%. In summary, the available evidence is currently insufficient to determine the role of this variant in disease. Therefore, it has been classified as a Variant of Uncertain Significance.

Literature cited by the submitters: PubMed 30977107 (cited by Ambry Genetics and Labcorp Genetics (formerly Invitae), Labcorp).

NM_001042492.3(NF1):c.3671C>G (p.Ala1224Gly)

Gene: NF1 (neurofibromin 1; plus strand). Cytogenetic location: 17q11.2.
Variant type: single nucleotide variant.
Coding change: c.3671C>G on transcript NM_001042492.3 (MANE Select); coding-DNA position 3671, C replaced by G.
Protein change: p.Ala1224Gly; replaces alanine 1224 with glycine.
Molecular consequence: missense variant.
Genome position (GRCh38, 1-based): chr17:31,233,176, C>G. VCF-style: chr17-31233176-C-G. GRCh37 (hg19) VCF-style: chr17-29560194-C-G.
Other names: c.3671C>G, p.Ala1224Gly (NM_000267.4); short protein forms A1224G.
Identifiers: ClinVar variation 824054 (VCV000824054.10), dbSNP rs1060500340, ClinGen allele CA398990571.
Genomic context (GRCh38, chr17:31,233,176, plus strand): 5'-GGTTTGAGAGATTGGTGGAACTGGTCACAATGATGGGTGATCAAGGAGAACTCCCTATAG[C>G]GATGGCTCTGGCCAATGTGGTTCCTTGTTCTCAGTGGGTAAGTGATTAGAGTAAGCGGGG-3'
Protein context (NP_001035957.1, residues 1214-1234): MMGDQGELPI[Ala1224Gly]MALANVVPCS